The following is an entry in ClinVar:

ClinVar aggregate classification (germline): Uncertain significance (1 of 4 stars; one submission).

Submission:

Ambry Genetics
Classification: Uncertain significance. Last evaluated: 2026-04-04. Review status: criteria provided, single submitter. Criteria: Ambry Variant Classification Scheme 2023. Collection method: clinical testing. Allele origin: germline.
Comment: The p.P712L variant (also known as c.2135C>T), located in coding exon 1 of the TET2 gene, results from a C to T substitution at nucleotide position 2135. The proline at codon 712 is replaced by leucine, an amino acid with similar properties. This amino acid position is conserved. In addition, this alteration is predicted to be tolerated by in silico analysis. Based on the available evidence, the clinical significance of this variant remains unclear.

NM_001127208.3(TET2):c.2135C>T (p.Pro712Leu)

Genes: TET2 (tet methylcytosine dioxygenase 2; plus strand), TET2-AS1 (TET2 antisense RNA 1; minus strand). Cytogenetic location: 4q24.
Variant type: single nucleotide variant.
Coding change: c.2135C>T on transcript NM_001127208.3 (MANE Select); coding-DNA position 2135, C replaced by T.
Protein change: p.Pro712Leu; replaces proline 712 with leucine.
Molecular consequence: missense variant.
Genome position (GRCh38, 1-based): chr4:105,236,077, C>T. VCF-style: chr4-105236077-C-T. GRCh37 (hg19) VCF-style: chr4-106157234-C-T.
Other names: c.2135C>T, p.Pro712Leu (NM_017628.4); short protein forms P712L.
Identifiers: ClinVar variation 4865525 (VCV004865525.1).